The following is an entry in ClinVar:

ClinVar aggregate classification (germline): Pathogenic. Review status: criteria provided, multiple submitters, no conflicts (2 of 4 stars). 4 submissions from 4 submitters: Pathogenic (4). Last evaluated 2025-07-04.

Conditions:
Palmoplantar keratoderma, punctate type 1A (PPKP1A). Also called: PALMOPLANTAR KERATODERMA, PUNCTATE TYPE IA. Identifiers: Orphanet 79501, MedGen CN031225, MONDO:0007858, OMIM 148600.

Submissions (4):

Human Genetics Bochum, Ruhr University Bochum
Classification: Pathogenic for Palmoplantar keratoderma, punctate type 1A. Last evaluated: 2025-07-04. Review status: criteria provided, single submitter. Criteria: ACMG Guidelines, 2015. Collection method: clinical testing. Allele origin: germline. Affected: yes.
Comment: ACMG criteria used to clasify this variant: PVS1, PS4_SUP, PM2_SUP

Clinical Genetics Laboratory, Skane University Hospital Lund
Classification: Pathogenic. Last evaluated: 2023-10-30. Review status: criteria provided, single submitter. Criteria: ACMG Guidelines, 2015. Collection method: clinical testing. Allele origin: germline. Affected: yes.

GeneDx
Classification: Pathogenic. Last evaluated: 2020-10-06. Review status: criteria provided, single submitter. Criteria: GeneDx Variant Classification Process June 2021. Collection method: clinical testing. Allele origin: germline. Affected: yes.
Comment: Nonsense variant predicted to result in protein truncation or nonsense mediated decay in a gene for which loss-of-function is a known mechanism of disease; Not observed in large population cohorts (Lek et al., 2016); This variant is associated with the following publications: (PMID: 23448244)

Revvity Omics, Revvity
Classification: Pathogenic for Palmoplantar keratoderma, punctate type 1A. Last evaluated: 2020-09-26. Review status: criteria provided, single submitter. Criteria: ACMG Guidelines, 2015. Collection method: clinical testing. Allele origin: germline.

Literature cited by the submitters: PubMed 23448244 (cited by Human Genetics Bochum, Ruhr University Bochum).

NM_024666.5(AAGAB):c.61C>T (p.Gln21Ter)

Genes: AAGAB (alpha and gamma adaptin binding protein; minus strand), LOC130057363 (ATAC-STARR-seq lymphoblastoid active region 9628; plus strand). Cytogenetic location: 15q23.
Variant type: single nucleotide variant.
Coding change: c.61C>T on transcript NM_024666.5 (MANE Select); coding-DNA position 61, C replaced by T.
Protein change: p.Gln21Ter; replaces glutamine 21 with a stop codon.
Molecular consequence: nonsense. On other transcripts: 5 prime UTR variant (1), intron variant (1).
Genome position (GRCh38, 1-based): chr15:67,254,571, G>A on the plus strand (C>T on the coding strand, the complement: AAGAB is on the minus strand). VCF-style: chr15-67254571-G-A. GRCh37 (hg19) VCF-style: chr15-67546909-G-A.
Other names: c.-412C>T (NM_001271886.2); c.-255+566C>T (NM_001271885.2); short protein forms Q21*.
Identifiers: ClinVar variation 620111 (VCV000620111.9), dbSNP rs1567037561, ClinGen allele CA392955131.
Genomic context (GRCh38, chr15:67,254,571, plus strand): 5'-CTGAGGCTCAGGGGCCTTGGAGGTCGGCCCAGGCGCCTATCTACTCACGTTGGACCAGCT[G>A]GTCTCCTGAGAAGACGGAGGAGCAGCTGGTGACTAACGCACAGGGTACGCCAGCAGCCAT-3'